The following is an entry in ClinVar:

ClinVar aggregate classification (germline): Uncertain significance (1 of 4 stars; one submission).

Allele frequency attached by ClinVar (database versions not stated): gnomAD exomes below 0.00001 and 0.00001.
gnomAD v4.1: 13 of 1,614,200 alleles (0.00081%); highest among the groups gnomAD compares: African/African-American, 0.0027%; no homozygotes.

Submission:

GeneDx
Classification: Uncertain significance. Last evaluated: 2023-10-22. Review status: criteria provided, single submitter. Criteria: GeneDx Variant Classification Process June 2021. Collection method: clinical testing. Allele origin: germline. Affected: yes.
Comment: Not observed at significant frequency in large population cohorts (gnomAD); In silico analysis supports that this missense variant does not alter protein structure/function; Has not been previously published as pathogenic or benign to our knowledge

NM_001134407.3(GRIN2A):c.2682G>A (p.Met894Ile)

Gene: GRIN2A (glutamate ionotropic receptor NMDA type subunit 2A; minus strand). Cytogenetic location: 16p13.2.
Variant type: single nucleotide variant.
Coding change: c.2682G>A on transcript NM_001134407.3 (MANE Select); coding-DNA position 2682, G replaced by A.
Protein change: p.Met894Ile; replaces methionine 894 with isoleucine.
Molecular consequence: missense variant.
Genome position (GRCh38, 1-based): chr16:9,764,862, C>T on the plus strand (G>A on the coding strand, the complement: GRIN2A is on the minus strand). VCF-style: chr16-9764862-C-T. GRCh37 (hg19) VCF-style: chr16-9858719-C-T.
Other names: c.2682G>A, p.Met894Ile (NM_000833.5, NM_001134408.2); short protein forms M894I.
Identifiers: ClinVar variation 1311968 (VCV001311968.3), dbSNP rs1350556261, ClinGen allele CA394709586.